The following is an entry in ClinVar:

NM_020964.3(EPG5):c.1944-3C>G

Gene: EPG5 (ectopic P-granules 5 autophagy tethering factor; minus strand). Cytogenetic location: 18q21.1.
Variant type: single nucleotide variant.
Coding change: c.1944-3C>G on transcript NM_020964.3 (MANE Select); 3 bases into the intron before coding-DNA position 1944, C replaced by G.
Molecular consequence: intron variant.
Genome position (GRCh38, 1-based): chr18:45,939,758, G>C on the plus strand (C>G on the coding strand, the complement: EPG5 is on the minus strand). VCF-style: chr18-45939758-G-C. GRCh37 (hg19) VCF-style: chr18-43519724-G-C.
Identifiers: ClinVar variation 2019571 (VCV002019571.4), dbSNP rs376498905, ClinGen allele CA2580095706.
Genomic context (GRCh38, chr18:45,939,758, plus strand): 5'-GCCTTGGTTATGGCTCACATACTGTGCCCAATGGTCACTTACATAACCAAGAGTCATCCT[G>C]AGCATGAGGAAAGATAATACAGTACTTTTCATTAGCTCAATATCTGCACCTTTATATTAC-3'

ClinVar aggregate classification (germline): Uncertain significance (1 of 4 stars; one submission).

Conditions:
Vici syndrome (VICIS). Identifiers: Orphanet 1493, MedGen C1855772, MONDO:0009452, OMIM 242840.

Submission:

Labcorp Genetics (formerly Invitae), Labcorp
Classification: Uncertain significance for Vici syndrome. Last evaluated: 2022-07-25. Review status: criteria provided, single submitter. Criteria: Invitae Variant Classification Sherloc (09022015). Collection method: clinical testing. Allele origin: germline.
Comment: This variant has not been reported in the literature in individuals affected with EPG5-related conditions. This sequence change falls in intron 9 of the EPG5 gene. It does not directly change the encoded amino acid sequence of the EPG5 protein. It affects a nucleotide within the consensus splice site. This variant is not present in population databases (gnomAD no frequency). Variants that disrupt the consensus splice site are a relatively common cause of aberrant splicing (PMID: 17576681, 9536098). Algorithms developed to predict the effect of sequence changes on RNA splicing suggest that this variant may disrupt the consensus splice site. In summary, the available evidence is currently insufficient to determine the role of this variant in disease. Therefore, it has been classified as a Variant of Uncertain Significance.

Literature cited by the submitters: PubMed 17576681; PubMed 9536098.